The following is an entry in ClinVar:

ClinVar aggregate classification (germline): Uncertain significance (1 of 4 stars; one submission).

Allele frequency attached by ClinVar (database versions not stated): gnomAD exomes below 0.00001; ExAC 0.00001.
gnomAD v4.1: 1 of 1,614,162 alleles (0.000062%); highest among the groups gnomAD compares: Non-Finnish European, 0.000085%; no homozygotes.

Submission:

Labcorp Genetics (formerly Invitae), Labcorp
Classification: Uncertain significance. Last evaluated: 2022-03-04. Review status: criteria provided, single submitter. Criteria: Invitae Variant Classification Sherloc (09022015). Collection method: clinical testing. Allele origin: germline.
Comment: In summary, the available evidence is currently insufficient to determine the role of this variant in disease. Therefore, it has been classified as a Variant of Uncertain Significance. Algorithms developed to predict the effect of missense changes on protein structure and function are either unavailable or do not agree on the potential impact of this missense change (SIFT: "Tolerated"; PolyPhen-2: "Possibly Damaging"; Align-GVGD: "Class C15"). This variant has not been reported in the literature in individuals affected with SZT2-related conditions. This variant is present in population databases (rs776799429, gnomAD 0.0009%). This sequence change replaces phenylalanine, which is neutral and non-polar, with serine, which is neutral and polar, at codon 1943 of the SZT2 protein (p.Phe1943Ser).

NM_001365999.1(SZT2):c.5999T>C (p.Phe2000Ser)

Gene: SZT2 (SZT2 subunit of KICSTOR complex; plus strand). Cytogenetic location: 1p34.2.
Variant type: single nucleotide variant.
Coding change: c.5999T>C on transcript NM_001365999.1 (MANE Select); coding-DNA position 5999, T replaced by C.
Protein change: p.Phe2000Ser; replaces phenylalanine 2000 with serine.
Molecular consequence: missense variant.
Genome position (GRCh38, 1-based): chr1:43,435,294, T>C. VCF-style: chr1-43435294-T-C. GRCh37 (hg19) VCF-style: chr1-43900965-T-C.
Other names: c.5828T>C, p.Phe1943Ser (NM_015284.4); short protein forms F1943S, F2000S.
Identifiers: ClinVar variation 2106745 (VCV002106745.4), dbSNP rs776799429, ClinGen allele CA809759.
Genomic context (GRCh38, chr1:43,435,294, plus strand): 5'-TGTGTAACTCTCTTCTGGTGGCCGAGAGTGAAGAAGATCTGTGGCGCAGTGAGACTCCCT[T>C]CCACTCCCGTCAGCGGGCACCACTGCCCAGTGATGGTGAGATCCCACCCAGGAGCCTCCC-3'
Protein context (NP_001352928.1, residues 1990-2010): EEDLWRSETP[Phe2000Ser]HSRQRAPLPS